The following is an entry in ClinVar:

NM_000498.3(CYP11B2):c.953C>T (p.Thr318Met)

Genes: CYP11B2 (cytochrome P450 family 11 subfamily B member 2; minus strand), LOC106799834 (CYP11B2 recombination region; plus strand). Cytogenetic location: 8q24.3.
Variant type: single nucleotide variant.
Coding change: c.953C>T on transcript NM_000498.3 (MANE Select); coding-DNA position 953, C replaced by T.
Protein change: p.Thr318Met; replaces threonine 318 with methionine.
Molecular consequence: missense variant.
Genome position (GRCh38, 1-based): chr8:142,914,265, G>A on the plus strand (C>T on the coding strand, the complement: CYP11B2 is on the minus strand). VCF-style: chr8-142914265-G-A. GRCh37 (hg19) VCF-style: chr8-143995681-G-A.
Other names: short protein forms T318M.
Identifiers: ClinVar variation 853826 (VCV000853826.10), dbSNP rs765921219, ClinGen allele CA4906032.

ClinVar aggregate classification (germline): Pathogenic/Likely pathogenic. Review status: criteria provided, multiple submitters, no conflicts (2 of 4 stars). 4 submissions from 4 submitters: Pathogenic (2); Likely pathogenic (2). Last evaluated 2025-11-17.

Conditions:
Corticosterone 18-monooxygenase deficiency. Also called: ALDOSTERONE DEFICIENCY DUE TO DEFECT IN STEROID 18-HYDROXYLASE; ALDOSTERONE DEFICIENCY I; CMO I DEFICIENCY; STEROID 18-HYDROXYLASE DEFICIENCY; 18 Hydroxylase deficiency; Aldosterone deficiency due to defect in 18 hydroxylase. Identifiers: Orphanet 427, MedGen C0268293, MONDO:0008751, OMIM 203400. Disease mechanism: loss of function.
Corticosterone methyloxidase type 2 deficiency. Also called: 18-OXIDASE DEFICIENCY; ALDOSTERONE DEFICIENCY DUE TO DEFICIENCY OF STEROID 18-OXIDASE; ALDOSTERONE DEFICIENCY II; CMO II DEFICIENCY; STEROID 18-OXIDASE DEFICIENCY. Identifiers: Orphanet 427, MedGen C3463917, MONDO:0012524, OMIM 610600. Disease mechanism: loss of function.
Corticosterone methyl oxidase type II deficiency.
CYP11B2-related disorders.

Allele frequency attached by ClinVar (database versions not stated): ExAC 0.00002; TOPMed 0.00002; gnomAD 0.00003 and 0.00004.
gnomAD v4.1: 45 of 1,613,986 alleles (0.0028%); highest among the groups gnomAD compares: Admixed American, 0.015%; 1 homozygote.

Submissions (4):

Natera, Inc.
Classification: Likely pathogenic for Corticosterone methyl oxidase type II deficiency. Last evaluated: 2025-11-17. Review status: criteria provided, single submitter. Criteria: Natera Variant Classification Schema (03/2026). Collection method: clinical testing. Allele origin: germline.
Comment: The c.953C>T variant in CYP11B2 is a missense variant predicted to cause substitution of threonine to methionine at amino acid 318. This variant is rare in the general population with a frequency below the threshold expected for the associated phenotype(s). This variant has been observed in one or more individuals affected with the associated recessive disease, as either homozygous or compound heterozygous with a second variant (PMID: 33098647). Functional studies show that this variant may disrupt protein function (PMID: 7485152). Computational prediction algorithms indicate this variant is likely to affect gene or protein function. Given the available evidence, this variant is classified as Likely Pathogenic.

Labcorp Genetics (formerly Invitae), Labcorp
Classification: Pathogenic. Last evaluated: 2025-03-07. Review status: criteria provided, single submitter. Criteria: Invitae Variant Classification Sherloc (09022015). Collection method: clinical testing. Allele origin: germline.
Comment: This sequence change replaces threonine, which is neutral and polar, with methionine, which is neutral and non-polar, at codon 318 of the CYP11B2 protein (p.Thr318Met). This variant is present in population databases (rs765921219, gnomAD 0.01%). This missense change has been observed in individual(s) with aldosterone synthase deficiency (PMID: 7485152, 20639134, 22801770). In at least one individual the data is consistent with being in trans (on the opposite chromosome) from a pathogenic variant. ClinVar contains an entry for this variant (Variation ID: 853826). Invitae Evidence Modeling of protein sequence and biophysical properties (such as structural, functional, and spatial information, amino acid conservation, physicochemical variation, residue mobility, and thermodynamic stability) has been performed for this missense variant. However, the output from this modeling did not meet the statistical confidence thresholds required to predict the impact of this variant on CYP11B2 protein function. Experimental studies have shown that this missense change affects CYP11B2 function (PMID: 7485152, 21237269). For these reasons, this variant has been classified as Pathogenic.

Fulgent Genetics
Classification: Likely pathogenic for Corticosterone 18-monooxygenase deficiency; Corticosterone methyloxidase type 2 deficiency. Last evaluated: 2021-11-06. Review status: criteria provided, single submitter. Criteria: ACMG Guidelines, 2015. Collection method: clinical testing. Allele origin: unknown.

Blueprint Genetics
Classification: Pathogenic for CYP11B2-related disorders. Last evaluated: 2021-02-22. Review status: criteria provided, single submitter. Criteria: ACMG Guidelines, 2015. Collection method: clinical testing. Allele origin: germline. Affected: yes. Observed: 1 variant allele.

Literature cited by the submitters: PubMed 33098647 (cited by Natera, Inc.); PubMed 7485152 (cited by Natera, Inc. and Labcorp Genetics (formerly Invitae), Labcorp); PubMed 20639134 (cited by Labcorp Genetics (formerly Invitae), Labcorp); PubMed 22801770 (cited by Labcorp Genetics (formerly Invitae), Labcorp); PubMed 21237269 (cited by Labcorp Genetics (formerly Invitae), Labcorp).